The following is an entry in ClinVar:

ClinVar aggregate classification (germline): Uncertain significance (1 of 4 stars; one submission).

Allele frequency attached by ClinVar (database versions not stated): TOPMed below 0.00001; gnomAD 0.00001.

Submission:

GeneDx
Classification: Uncertain significance. Last evaluated: 2023-01-21. Review status: criteria provided, single submitter. Criteria: GeneDx Variant Classification Process June 2021. Collection method: clinical testing. Allele origin: germline. Affected: yes.
Comment: Not observed at significant frequency in large population cohorts (gnomAD); In silico analysis supports that this missense variant has a deleterious effect on protein structure/function; Has not been previously published as pathogenic or benign to our knowledge

NM_003737.4(DCHS1):c.9749T>C (p.Met3250Thr)

Gene: DCHS1 (dachsous cadherin-related 1; minus strand). Cytogenetic location: 11p15.4.
Variant type: single nucleotide variant.
Coding change: c.9749T>C on transcript NM_003737.4 (MANE Select); coding-DNA position 9749, T replaced by C.
Protein change: p.Met3250Thr; replaces methionine 3250 with threonine.
Molecular consequence: missense variant.
Genome position (GRCh38, 1-based): chr11:6,621,927, A>G on the plus strand (T>C on the coding strand, the complement: DCHS1 is on the minus strand). VCF-style: chr11-6621927-A-G. GRCh37 (hg19) VCF-style: chr11-6643158-A-G.
Other names: short protein forms M3250T.
Identifiers: ClinVar variation 2573772 (VCV002573772.1), dbSNP rs1252382052, ClinGen allele CA379477770.